The following is an entry in ClinVar:

ClinVar aggregate classification (germline): Conflicting classifications of pathogenicity. Review status: criteria provided, conflicting classifications (1 of 4 stars). 3 submissions from 3 submitters: Uncertain significance (2); Likely benign (1). Last evaluated 2025-12-08.

Conditions:
Cardiovascular phenotype. Identifiers: MedGen CN230736.
Progressive familial heart block type IB (PFHB1B). Identifiers: Orphanet 871, MedGen C1970298, MONDO:0011474, OMIM 604559.

Allele frequency attached by ClinVar (database versions not stated): gnomAD exomes below 0.00001; TOPMed 0.00002; gnomAD 0.00002.
gnomAD v4.1: 4 of 1,613,266 alleles (0.00025%); highest among the groups gnomAD compares: African/African-American, 0.0053%; no homozygotes.

Submissions (3):

Labcorp Genetics (formerly Invitae), Labcorp
Classification: Uncertain significance for Progressive familial heart block type IB. Last evaluated: 2025-12-08. Review status: criteria provided, single submitter. Criteria: Invitae Variant Classification Sherloc (09022015). Collection method: clinical testing. Allele origin: germline.
Comment: This sequence change replaces proline, which is neutral and non-polar, with serine, which is neutral and polar, at codon 547 of the TRPM4 protein (p.Pro547Ser). This variant is present in population databases (no rsID available, gnomAD 0.01%). This variant has not been reported in the literature in individuals affected with TRPM4-related conditions. ClinVar contains an entry for this variant (Variation ID: 1776988). An algorithm developed to predict the effect of missense changes on protein structure and function (PolyPhen-2) suggests that this variant is likely to be tolerated. In summary, the available evidence is currently insufficient to determine the role of this variant in disease. Therefore, it has been classified as a Variant of Uncertain Significance.

Ambry Genetics
Classification: Likely benign for Cardiovascular phenotype. Last evaluated: 2024-07-26. Review status: criteria provided, single submitter. Criteria: Ambry Variant Classification Scheme 2023. Collection method: clinical testing. Allele origin: germline.

GeneDx
Classification: Uncertain significance. Last evaluated: 2022-05-26. Review status: criteria provided, single submitter. Criteria: GeneDx Variant Classification Process June 2021. Collection method: clinical testing. Allele origin: germline. Affected: yes.
Comment: Not observed at significant frequency in large population cohorts (gnomAD); In silico analysis supports that this missense variant does not alter protein structure/function; Has not been previously published as pathogenic or benign to our knowledge

NM_017636.4(TRPM4):c.1639C>T (p.Pro547Ser)

Gene: TRPM4 (transient receptor potential cation channel subfamily M member 4; plus strand). Cytogenetic location: 19q13.33.
Variant type: single nucleotide variant.
Coding change: c.1639C>T on transcript NM_017636.4 (MANE Select); coding-DNA position 1639, C replaced by T.
Protein change: p.Pro547Ser; replaces proline 547 with serine.
Molecular consequence: missense variant.
Genome position (GRCh38, 1-based): chr19:49,183,108, C>T. VCF-style: chr19-49183108-C-T. GRCh37 (hg19) VCF-style: chr19-49686365-C-T.
Other names: c.1639C>T, p.Pro547Ser (NM_001195227.2); c.1294C>T, p.Pro432Ser (NM_001321281.2); c.31C>T, p.Pro11Ser (NM_001321282.2); c.1117C>T, p.Pro373Ser (NM_001321283.2); c.577C>T, p.Pro193Ser (NM_001321285.2); short protein forms P193S, P432S, P373S, P11S, P547S.
Identifiers: ClinVar variation 1776988 (VCV001776988.7), dbSNP rs919695965, ClinGen allele CA309443482.
Genomic context (GRCh38, chr19:49,183,108, plus strand): 5'-GGTCCTCACCACCCCTCCTTTTGCTGGCAGATGTATCTGCTCTCGGACAAGGCCACCTCG[C>T]CGCTCTCGCTGGATGCTGGCCTCGGGCAGGCCCCCTGGAGCGACCTGCTTCTTTGGGCAC-3'
Protein context (NP_060106.2, residues 537-557): MYLLSDKATS[Pro547Ser]LSLDAGLGQA